The following is an entry in ClinVar:

NM_015897.4(PIAS4):c.1383G>A (p.Pro461=)

Gene: PIAS4 (protein inhibitor of activated STAT 4; plus strand). Cytogenetic location: 19p13.3.
Variant type: single nucleotide variant.
Coding change: c.1383G>A on transcript NM_015897.4 (MANE Select); coding-DNA position 1383, G replaced by A.
Protein change: p.Pro461=; no amino-acid change (proline 461 retained).
Molecular consequence: synonymous variant.
Genome position (GRCh38, 1-based): chr19:4,037,725, G>A. VCF-style: chr19-4037725-G-A. GRCh37 (hg19) VCF-style: chr19-4037723-G-A.
Identifiers: ClinVar variation 2649025 (VCV002649025.24), dbSNP rs140558761, ClinGen allele CA9090255.

ClinVar aggregate classification (germline): Likely benign (1 of 4 stars; one submission).

Allele frequency attached by ClinVar (database versions not stated): 1000 Genomes Project 30x 0.00078; 1000 Genomes Project 0.00080; gnomAD 0.00163; TOPMed 0.00164; ESP Exome Variant Server 0.00208; ExAC 0.00230; gnomAD exomes 0.00233.
gnomAD v4.1: 3,615 of 1,611,264 alleles (0.22%); highest among the groups gnomAD compares: Middle Eastern, 0.63%; 3 homozygotes.

Submission:

CeGaT Center for Human Genetics Tuebingen
Classification: Likely benign. Last evaluated: 2022-08-01. Review status: criteria provided, single submitter. Criteria: CeGaT Center For Human Genetics Tuebingen Variant Classification Criteria Version 2. Collection method: clinical testing. Allele origin: germline. Affected: yes. Observed: 1 variant allele.
Comment: PIAS4: BP4, BP7